The following is an entry in ClinVar:

NM_001370466.1(NOD2):c.1847T>C (p.Leu616Pro)

Gene: NOD2 (nucleotide binding oligomerization domain containing 2; plus strand). Cytogenetic location: 16q12.1.
Variant type: single nucleotide variant.
Coding change: c.1847T>C on transcript NM_001370466.1 (MANE Select); coding-DNA position 1847, T replaced by C.
Protein change: p.Leu616Pro; replaces leucine 616 with proline.
Molecular consequence: missense variant. On other transcripts: non-coding transcript variant (1).
Genome position (GRCh38, 1-based): chr16:50,711,839, T>C. VCF-style: chr16-50711839-T-C. GRCh37 (hg19) VCF-style: chr16-50745750-T-C.
Other names: c.1847T>C, p.Leu616Pro (NM_001293557.2); c.1928T>C, p.Leu643Pro (NM_022162.3); short protein forms L616P, L643P.
Identifiers: ClinVar variation 4789799 (VCV004789799.1).

ClinVar aggregate classification (germline): Uncertain significance (1 of 4 stars; one submission).

Conditions:
Regional enteritis. Also called: Enteritis, Granulomatous. Identifiers: MedGen C0678202, MeSH D003424.
Blau syndrome (BLAUS). Also called: ARTHROCUTANEOUVEAL GRANULOMATOSIS; GRANULOMATOSIS, FAMILIAL JUVENILE SYSTEMIC; GRANULOMATOSIS, FAMILIAL, BLAU TYPE; GRANULOMATOUS INFLAMMATORY ARTHRITIS, DERMATITIS, AND UVEITIS, FAMILIAL; JABS SYNDROME. Identifiers: Orphanet 90340, MedGen C5201146, MONDO:0008523, OMIM 186580.

Submission:

Labcorp Genetics (formerly Invitae), Labcorp
Classification: Uncertain significance for Regional enteritis; Blau syndrome. Last evaluated: 2025-12-31. Review status: criteria provided, single submitter. Criteria: Invitae Variant Classification Sherloc (09022015). Collection method: clinical testing. Allele origin: germline.
Comment: This sequence change replaces leucine, which is neutral and non-polar, with proline, which is neutral and non-polar, at codon 643 of the NOD2 protein (p.Leu643Pro). This variant is present in population databases (no rsID available, gnomAD 0.002%). This variant has not been reported in the literature in individuals affected with NOD2-related conditions. Invitae Evidence Modeling of protein sequence and biophysical properties (such as structural, functional, and spatial information, amino acid conservation, physicochemical variation, residue mobility, and thermodynamic stability) indicates that this missense variant is not expected to disrupt NOD2 protein function with a negative predictive value of 95%. In summary, the available evidence is currently insufficient to determine the role of this variant in disease. Therefore, it has been classified as a Variant of Uncertain Significance.